The following is an entry in ClinVar:

NM_020975.6(RET):c.3007A>C (p.Lys1003Gln)

Gene: RET (ret proto-oncogene; plus strand). Cytogenetic location: 10q11.21.
Variant type: single nucleotide variant.
Coding change: c.3007A>C on transcript NM_020975.6 (MANE Select); coding-DNA position 3007, A replaced by C.
Protein change: p.Lys1003Gln; replaces lysine 1003 with glutamine.
Molecular consequence: missense variant.
Genome position (GRCh38, 1-based): chr10:43,124,950, A>C. VCF-style: chr10-43124950-A-C. GRCh37 (hg19) VCF-style: chr10-43620398-A-C.
Other names: c.2878A>C, p.Lys960Gln (NM_001406761.1, NM_001406762.1, NM_001406764.1); c.2872A>C, p.Lys958Gln (NM_001406763.1, NM_001406765.1); c.2719A>C, p.Lys907Gln (NM_001406766.1, NM_001406767.1, NM_001406770.1); c.2743A>C, p.Lys915Gln (NM_001406768.1); c.2611A>C, p.Lys871Gln (NM_001406769.1, NM_001406772.1); c.2110A>C, p.Lys704Gln (NM_001406780.1, NM_001406781.1, NM_001406782.1 and 1 more transcripts); c.1981A>C, p.Lys661Gln (NM_001406783.1, NM_001406786.1); c.2017A>C, p.Lys673Gln (NM_001406784.1); and 10 more; short protein forms K749Q, K1003Q, K659Q, K673Q, K871Q, K915Q, K958Q, K661Q.
Identifiers: ClinVar variation 1515991 (VCV001515991.7), dbSNP rs1392503702, ClinGen allele CA376558177.

ClinVar aggregate classification (germline): Uncertain significance (1 of 4 stars; one submission).

Conditions:
Multiple endocrine neoplasia, type 2 (MEN2). Identifiers: Orphanet 653, MedGen C4048306, MONDO:0019003. Disease mechanism: gain of function.

Allele frequency attached by ClinVar (database versions not stated): gnomAD exomes below 0.00001.
gnomAD v4.1: 1 of 1,614,246 alleles (0.000062%); highest among the groups gnomAD compares: Middle Eastern, 0.017%; no homozygotes.

Submission:

Labcorp Genetics (formerly Invitae), Labcorp
Classification: Uncertain significance for Multiple endocrine neoplasia, type 2. Last evaluated: 2023-10-13. Review status: criteria provided, single submitter. Criteria: Invitae Variant Classification Sherloc (09022015). Collection method: clinical testing. Allele origin: germline.
Comment: This sequence change replaces lysine, which is basic and polar, with glutamine, which is neutral and polar, at codon 1003 of the RET protein (p.Lys1003Gln). This variant is present in population databases (no rsID available, gnomAD 0.0009%). This variant has not been reported in the literature in individuals affected with RET-related conditions. ClinVar contains an entry for this variant (Variation ID: 1515991). An algorithm developed to predict the effect of missense changes on protein structure and function (PolyPhen-2) suggests that this variant is likely to be tolerated. In summary, the available evidence is currently insufficient to determine the role of this variant in disease. Therefore, it has been classified as a Variant of Uncertain Significance.